The following is an entry in ClinVar:

NM_024675.4(PALB2):c.2413G>C (p.Val805Leu)

Gene: PALB2 (partner and localizer of BRCA2; minus strand). Cytogenetic location: 16p12.2.
Variant type: single nucleotide variant.
Coding change: c.2413G>C on transcript NM_024675.4 (MANE Select); coding-DNA position 2413, G replaced by C.
Protein change: p.Val805Leu; replaces valine 805 with leucine.
Molecular consequence: missense variant. On other transcripts: intron variant (1).
Genome position (GRCh38, 1-based): chr16:23,629,741, C>G on the plus strand (G>C on the coding strand, the complement: PALB2 is on the minus strand). VCF-style: chr16-23629741-C-G. GRCh37 (hg19) VCF-style: chr16-23641062-C-G.
Other names: c.2353G>C, p.Val785Leu (NM_001407296.1); c.2413G>C, p.Val805Leu (NM_001407297.1, NM_001407298.1, NM_001407299.1 and 3 more transcripts); c.1528G>C, p.Val510Leu (NM_001407304.1, NM_001407305.1, NM_001407306.1 and 5 more transcripts); c.625G>C, p.Val209Leu (NM_001407312.1, NM_001407313.1); c.49-466G>C (NM_001407314.1); short protein forms V510L, V785L, V209L, V805L.
Identifiers: ClinVar variation 4664095 (VCV004664095.1).

ClinVar aggregate classification (germline): Uncertain significance (1 of 4 stars; one submission).

Conditions:
Hereditary cancer-predisposing syndrome. Also called: Neoplastic Syndromes, Hereditary; Tumor predisposition; Hereditary Cancer Syndrome; Hereditary neoplastic syndrome. Identifiers: Orphanet 140162, MedGen C0027672, MeSH D009386, MONDO:0015356.

Submission:

Ambry Genetics
Classification: Uncertain significance for Hereditary cancer-predisposing syndrome. Last evaluated: 2025-11-15. Review status: criteria provided, single submitter. Criteria: Ambry Variant Classification Scheme 2023. Collection method: clinical testing. Allele origin: germline.
Comment: The p.V805L variant (also known as c.2413G>C), located in coding exon 5 of the PALB2 gene, results from a G to C substitution at nucleotide position 2413. The valine at codon 805 is replaced by leucine, an amino acid with highly similar properties. This amino acid position is conserved. In addition, this alteration is predicted to be tolerated by in silico analysis. Based on the available evidence, the clinical significance of this variant remains unclear.